The following is an entry in ClinVar:

NM_015102.5(NPHP4):c.2848C>T (p.Arg950Trp)

Gene: NPHP4 (nephrocystin 4; minus strand). Cytogenetic location: 1p36.31.
Variant type: single nucleotide variant.
Coding change: c.2848C>T on transcript NM_015102.5 (MANE Select); coding-DNA position 2848, C replaced by T.
Protein change: p.Arg950Trp; replaces arginine 950 with tryptophan.
Molecular consequence: missense variant. On other transcripts: non-coding transcript variant (1).
Genome position (GRCh38, 1-based): chr1:5,875,070, G>A on the plus strand (C>T on the coding strand, the complement: NPHP4 is on the minus strand). VCF-style: chr1-5875070-G-A. GRCh37 (hg19) VCF-style: chr1-5935130-G-A.
Other names: c.1309C>T, p.Arg437Trp (NM_001291593.2); c.1312C>T, p.Arg438Trp (NM_001291594.2); short protein forms R437W, R950W, R438W.
Identifiers: ClinVar variation 1415588 (VCV001415588.9), dbSNP rs371939932, ClinGen allele CA553901.

ClinVar aggregate classification (germline): Uncertain significance. Review status: criteria provided, multiple submitters, no conflicts (2 of 4 stars). 2 submissions from 2 submitters: Uncertain significance (2). Last evaluated 2024-08-21.

Conditions:
Nephronophthisis. Also called: Juvenile Nephronophthisis. Identifiers: Orphanet 655, MedGen C0687120, MONDO:0019005, HP:0000090.

Allele frequency attached by ClinVar (database versions not stated): gnomAD 0.00001; TOPMed 0.00001; ESP Exome Variant Server 0.00015.
gnomAD v4.1: 6 of 1,606,568 alleles (0.00037%); highest among the groups gnomAD compares: African/African-American, 0.0013%; no homozygotes.

Submissions (2):

Blueprint Genetics
Classification: Uncertain significance. Last evaluated: 2024-08-21. Review status: criteria provided, single submitter. Criteria: ACMG Guidelines, 2015. Collection method: clinical testing. Allele origin: germline.

Labcorp Genetics (formerly Invitae), Labcorp
Classification: Uncertain significance for Nephronophthisis. Last evaluated: 2021-06-28. Review status: criteria provided, single submitter. Criteria: Invitae Variant Classification Sherloc (09022015). Collection method: clinical testing. Allele origin: germline.
Comment: This sequence change replaces arginine with tryptophan at codon 950 of the NPHP4 protein (p.Arg950Trp). The arginine residue is moderately conserved and there is a moderate physicochemical difference between arginine and tryptophan. This variant is present in population databases (rs371939932, ExAC 0.02%). This variant has not been reported in the literature in individuals with NPHP4-related conditions. Algorithms developed to predict the effect of missense changes on protein structure and function are either unavailable or do not agree on the potential impact of this missense change (SIFT: "Deleterious"; PolyPhen-2: "Benign"; Align-GVGD: "Class C0"). In summary, the available evidence is currently insufficient to determine the role of this variant in disease. Therefore, it has been classified as a Variant of Uncertain Significance.